The following is an entry in ClinVar:

NM_031942.5(CDCA7):c.734del (p.Gly245fs)

Gene: CDCA7 (cell division cycle associated 7; plus strand). Cytogenetic location: 2q31.1.
Variant type: Deletion.
Coding change: c.734del on transcript NM_031942.5 (MANE Select); coding-DNA position 734, one base deleted (G; older notation c.734delG).
Protein change: p.Gly245fs; shifts the reading frame from glycine 245.
Molecular consequence: frameshift variant.
Genome position (GRCh38, 1-based): chr2:173,364,829, G deleted; the last of 3 consecutive G bases (chr2:173,364,827-173,364,829); deleting any one gives the same sequence. VCF-style (leftmost placement, unchanged base first): chr2-173364826-CG-C. GRCh37 (hg19) VCF-style: chr2-174229554-CG-C.
Other names: c.497del, p.Gly166fs (NM_145810.3); short protein forms G245fs, G166fs.
Identifiers: ClinVar variation 1373555 (VCV001373555.6), dbSNP rs2106391542, ClinGen allele CA2573134221.
Genomic context (GRCh38, chr2:173,364,826, plus strand): 5'-ATGGATTCCCTTATACGTGCTTTGTTTAGCAATCAAGGAGACCGCGAAGGCGTACATTCC[CG>C]GGTGTTGCTTCCAGGAGAAACCCTGAACGGAGAGCTCGTCCTCTTACCAGGTCAAGGTCC-3'

ClinVar aggregate classification (germline): Uncertain significance (1 of 4 stars; one submission).

Submission:

Labcorp Genetics (formerly Invitae), Labcorp
Classification: Uncertain significance. Last evaluated: 2021-06-06. Review status: criteria provided, single submitter. Criteria: Invitae Variant Classification Sherloc (09022015). Collection method: clinical testing. Allele origin: germline.
Comment: In summary, the available evidence is currently insufficient to determine the role of this variant in disease. Therefore, it has been classified as a Variant of Uncertain Significance. This variant has not been reported in the literature in individuals with CDCA7-related conditions. This variant is not present in population databases (ExAC no frequency). This sequence change creates a premature translational stop signal (p.Gly245Valfs*43) in the CDCA7 gene. It is expected to result in an absent or disrupted protein product. However, the current clinical and genetic evidence is not sufficient to establish whether loss-of-function variants in CDCA7 cause disease.